The following is an entry in ClinVar:

ClinVar aggregate classification (germline): Uncertain significance (1 of 4 stars; one submission).

Conditions:
Wilms tumor 1 (WT1). Also called: Wilms tumor, somatic. Identifiers: Orphanet 654, MedGen CN033288, MONDO:0008679, OMIM 194070.

Submission:

Labcorp Genetics (formerly Invitae), Labcorp
Classification: Uncertain significance for Wilms tumor 1. Last evaluated: 2020-11-15. Review status: criteria provided, single submitter. Criteria: Invitae Variant Classification Sherloc (09022015). Collection method: clinical testing. Allele origin: germline.
Comment: Algorithms developed to predict the effect of missense changes on protein structure and function output the following: SIFT: "Tolerated"; PolyPhen-2: "Benign"; Align-GVGD: "Class C0". The serine amino acid residue is found in multiple mammalian species, suggesting that this missense change does not adversely affect protein function. These predictions have not been confirmed by published functional studies and their clinical significance is uncertain. In summary, the available evidence is currently insufficient to determine the role of this variant in disease. Therefore, it has been classified as a Variant of Uncertain Significance. This sequence change replaces asparagine with serine at codon 538 of the GPC3 protein (p.Asn538Ser). The asparagine residue is weakly conserved and there is a small physicochemical difference between asparagine and serine. This variant is not present in population databases (ExAC no frequency). This variant has not been reported in the literature in individuals with GPC3-related conditions.

NM_004484.4(GPC3):c.1613A>G (p.Asn538Ser)

Gene: GPC3 (glypican 3; minus strand). Cytogenetic location: Xq26.2.
Variant type: single nucleotide variant.
Coding change: c.1613A>G on transcript NM_004484.4 (MANE Select); coding-DNA position 1613, A replaced by G.
Protein change: p.Asn538Ser; replaces asparagine 538 with serine.
Molecular consequence: missense variant.
Genome position (GRCh38, 1-based): chrX:133,536,254, T>C on the plus strand (A>G on the coding strand, the complement: GPC3 is on the minus strand). VCF-style: chrX-133536254-T-C. GRCh37 (hg19) VCF-style: chrX-132670282-T-C.
Other names: c.1682A>G, p.Asn561Ser (NM_001164617.2); c.1565A>G, p.Asn522Ser (NM_001164618.2); c.1451A>G, p.Asn484Ser (NM_001164619.2); short protein forms N522S, N561S, N538S, N484S.
Identifiers: ClinVar variation 1441630 (VCV001441630.8), dbSNP rs2124257689, ClinGen allele CA414703121.